The following is an entry in ClinVar:

NM_015295.3(SMCHD1):c.1843-17dup

Gene: SMCHD1 (structural maintenance of chromosomes flexible hinge domain containing 1; plus strand). Cytogenetic location: 18p11.32.
Variant type: Duplication.
Coding change: c.1843-17dup on transcript NM_015295.3 (MANE Select); 17 bases into the intron before coding-DNA position 1843, one base duplicated (T; older notation c.1843-17dupT).
Molecular consequence: intron variant.
Genome position (GRCh38, 1-based): chr18:2,705,677, T duplicated; the last of 13 consecutive T bases (chr18:2,705,665-2,705,677); duplicating any one gives the same sequence. VCF-style (leftmost placement, unchanged base first): chr18-2705664-C-CT. GRCh37 (hg19) VCF-style: chr18-2705662-C-CT.
Other names: c.1843-17dupT (NM_015295.2).
Identifiers: ClinVar variation 1269341 (VCV001269341.4), dbSNP rs377473058, ClinGen allele CA8870810.
Genomic context (GRCh38, chr18:2,705,664, plus strand): 5'-AAAGAAGTTCTGTAAAATTATTATTAAGCCTTTTTCTCTTCGTAAATCTTAATACTGAAG[C>CT]TTTTTTTTTTTTTAAAAACTAAATATTAGGTCAAGACAATCAAGACACTTCCCCTCTTTT-3'

ClinVar aggregate classification (germline): Benign/Likely benign. Review status: criteria provided, multiple submitters, no conflicts (2 of 4 stars). 3 submissions from 3 submitters: Benign (1); Likely benign (1). 1 of the submissions does not count toward it. Last evaluated 2024-11-28.

Conditions:
SMCHD1-related disorder. Also called: SMCHD1-related condition.

Submissions (3):

Blueprint Genetics
Classification: Likely benign. Last evaluated: 2024-11-28. Review status: criteria provided, single submitter. Criteria: ACMG Guidelines, 2015. Collection method: clinical testing. Allele origin: germline.

GeneDx
Classification: Benign. Last evaluated: 2021-04-18. Review status: criteria provided, single submitter. Criteria: GeneDx Variant Classification Process June 2021. Collection method: clinical testing. Allele origin: germline. Affected: yes.

PreventionGenetics, part of Exact Sciences
Classification: Likely benign for SMCHD1-related condition. Last evaluated: 2021-03-12. Review status: no assertion criteria provided. Collection method: clinical testing. Allele origin: germline. Not counted in ClinVar's aggregate classification.
Comment: This variant is classified as likely benign based on ACMG/AMP sequence variant interpretation guidelines (Richards et al. 2015 PMID: 25741868, with internal and published modifications).